The following is an entry in ClinVar:

NM_003126.4(SPTA1):c.675C>T (p.Ala225=)

Gene: SPTA1 (spectrin alpha, erythrocytic 1; minus strand). Cytogenetic location: 1q23.1.
Variant type: single nucleotide variant.
Coding change: c.675C>T on transcript NM_003126.4 (MANE Select); coding-DNA position 675, C replaced by T.
Protein change: p.Ala225=; no amino-acid change (alanine 225 retained).
Molecular consequence: synonymous variant.
Genome position (GRCh38, 1-based): chr1:158,680,586, G>A on the plus strand (C>T on the coding strand, the complement: SPTA1 is on the minus strand). VCF-style: chr1-158680586-G-A. GRCh37 (hg19) VCF-style: chr1-158650376-G-A.
Other names: p.Ala225=.
Identifiers: ClinVar variation 4683678 (VCV004683678.2).

ClinVar aggregate classification (germline): Likely benign. Review status: criteria provided, multiple submitters, no conflicts (2 of 4 stars). 2 submissions from 2 submitters: Likely benign (2). Last evaluated 2025-08-17.

gnomAD v4.1: 13 of 1,613,510 alleles (0.00081%); highest among the groups gnomAD compares: African/African-American, 0.0027%; no homozygotes.

Submissions (2):

Labcorp Genetics (formerly Invitae), Labcorp
Classification: Likely benign. Last evaluated: 2025-08-17. Review status: criteria provided, single submitter. Criteria: Invitae Variant Classification Sherloc (09022015). Collection method: clinical testing. Allele origin: germline.

Mayo Clinic Laboratories, Mayo Clinic
Classification: Likely benign. Last evaluated: 2024-11-12. Review status: criteria provided, single submitter. Criteria: ACMG Guidelines, 2015. Collection method: clinical testing. Allele origin: germline. Observed: 1 variant allele.
Comment: BP4, BP7